The following is an entry in ClinVar:

ClinVar aggregate classification (germline): Uncertain significance (1 of 4 stars; one submission).

Conditions:
Hypertrophic cardiomyopathy. Also called: HYPERTROPHIC MYOCARDIOPATHY. Identifiers: Orphanet 217569, MedGen C0007194, MeSH D002312, MONDO:0005045, HP:0001639.

Allele frequency attached by ClinVar (database versions not stated): ExAC 0.00002; gnomAD exomes 0.00002; TOPMed 0.00002.
gnomAD v4.1: 8 of 1,613,874 alleles (0.0005%); highest among the groups gnomAD compares: Admixed American, 0.0067%; no homozygotes.

Submission:

Labcorp Genetics (formerly Invitae), Labcorp
Classification: Uncertain significance for Hypertrophic cardiomyopathy. Last evaluated: 2025-12-16. Review status: criteria provided, single submitter. Criteria: Invitae Variant Classification Sherloc (09022015). Collection method: clinical testing. Allele origin: germline.
Comment: This sequence change creates a premature translational stop signal (p.Arg583*) in the MYOM1 gene. It is expected to result in an absent or disrupted protein product. However, the current clinical and genetic evidence is not sufficient to establish whether loss-of-function variants in MYOM1 cause disease. This variant is present in population databases (rs765191680, gnomAD 0.01%). This variant has not been reported in the literature in individuals affected with MYOM1-related conditions. ClinVar contains an entry for this variant (Variation ID: 410231). In summary, the available evidence is currently insufficient to determine the role of this variant in disease. Therefore, it has been classified as a Variant of Uncertain Significance.

NM_003803.4(MYOM1):c.1747C>T (p.Arg583Ter)

Gene: MYOM1 (myomesin 1; minus strand). Cytogenetic location: 18p11.31.
Variant type: single nucleotide variant.
Coding change: c.1747C>T on transcript NM_003803.4 (MANE Select); coding-DNA position 1747, C replaced by T.
Protein change: p.Arg583Ter; replaces arginine 583 with a stop codon.
Molecular consequence: nonsense.
Genome position (GRCh38, 1-based): chr18:3,151,790, G>A on the plus strand (C>T on the coding strand, the complement: MYOM1 is on the minus strand). VCF-style: chr18-3151790-G-A. GRCh37 (hg19) VCF-style: chr18-3151788-G-A.
Other names: c.1747C>T, p.Arg583Ter (NM_019856.2); short protein forms R583*.
Identifiers: ClinVar variation 410231 (VCV000410231.8), dbSNP rs765191680, ClinGen allele CA8874867.